The following is an entry in ClinVar:

NM_033641.4(COL4A6):c.1305_1313del (p.432GPP[2])

Gene: COL4A6 (collagen type IV alpha 6 chain; minus strand). Cytogenetic location: Xq22.3.
Variant type: Deletion.
Coding change: c.1305_1313del on transcript NM_033641.4 (MANE Select); coding-DNA positions 1305 to 1313, 9 bases deleted (TCCACCAGG; older notation c.1305_1313delTCCACCAGG).
Protein change: p.432GPP[2].
Genome position (GRCh38, 1-based): chrX:108,191,401-108,191,409, CCTGGTGGA deleted on the plus strand (TCCACCAGG on the coding strand, the reverse complement: COL4A6 is on the minus strand); deleting any 9 consecutive bases within chrX:108,191,401-108,191,417 gives the same sequence; the c. name uses the placement nearest the transcript's 3' end. VCF-style (leftmost placement, unchanged base first): chrX-108191400-GCCTGGTGGA-G. GRCh37 (hg19) VCF-style: chrX-107434630-GCCTGGTGGA-G.
Other names: c.1305_1313del, p.432GPP[2] (NM_001287758.2, NM_001287759.2, NM_001287760.2 and 1 more transcripts); c.1308_1316del, p.433GPP[2] (NM_001440759.1, NM_001847.4).
Identifiers: ClinVar variation 4809372 (VCV004809372.1).

ClinVar aggregate classification (germline): Uncertain significance (1 of 4 stars; one submission).

Submission:

Labcorp Genetics (formerly Invitae), Labcorp
Classification: Uncertain significance. Last evaluated: 2025-10-14. Review status: criteria provided, single submitter. Criteria: Invitae Variant Classification Sherloc (09022015). Collection method: clinical testing. Allele origin: germline.
Comment: This variant, c.1308_1316del, results in the deletion of 3 amino acid(s) of the COL4A6 protein (p.Gly439_Pro441del), but otherwise preserves the integrity of the reading frame. This variant is present in population databases (no rsID available, gnomAD 0.01%). This variant has not been reported in the literature in individuals affected with COL4A6-related conditions. Experimental studies and prediction algorithms are not available or were not evaluated, and the functional significance of this variant is currently unknown. In summary, the available evidence is currently insufficient to determine the role of this variant in disease. Therefore, it has been classified as a Variant of Uncertain Significance.